The following is an entry in ClinVar:

ClinVar aggregate classification (germline): Likely pathogenic (1 of 4 stars; one submission).

Conditions:
PLEC-related disorder. Also called: PLEC-related condition; PLEC-related disorders.

Submissions (2):

PreventionGenetics, part of Exact Sciences
Classification: Likely pathogenic for PLEC-related condition. Last evaluated: 2026-07-23. Review status: criteria provided, single submitter. Criteria: ACMG Guidelines, 2015. Collection method: clinical testing. Allele origin: germline.
Comment: The PLEC c.6964C>T variant is predicted to result in premature protein termination (p.Gln2322*). To our knowledge, this variant has not been reported in the literature or in a large population database (gnomAD), indicating this variant is rare. Nonsense variants in PLEC are expected to be pathogenic. This variant is interpreted as likely pathogenic.

Dr. Peter K. Rogan Lab, Western University
No classification provided (evidence only). Condition: Uterine corpus endometrial carcinoma. Review status: no classification provided. Collection method: in vitro. Allele origin: not applicable. Functional consequence: retained intron. Not counted in ClinVar's aggregate classification.

NM_201384.3(PLEC):c.6883C>T (p.Gln2295Ter)

Gene: PLEC (plectin; minus strand). Cytogenetic location: 8q24.3.
Variant type: single nucleotide variant.
Coding change: c.6883C>T on transcript NM_201384.3 (MANE Select); coding-DNA position 6883, C replaced by T.
Protein change: p.Gln2295Ter; replaces glutamine 2295 with a stop codon.
Molecular consequence: nonsense. On other transcripts: intron variant (1).
Genome position (GRCh38, 1-based): chr8:143,923,046, G>A on the plus strand (C>T on the coding strand, the complement: PLEC is on the minus strand). VCF-style: chr8-143923046-G-A. GRCh37 (hg19) VCF-style: chr8-144997214-G-A.
Other names: NC_000008.10:g.144997214G>A; c.6964C>T, p.Gln2322Ter (NM_000445.5); c.6841C>T, p.Gln2281Ter (NM_201378.4); c.6817C>T, p.Gln2273Ter (NM_201379.3); c.7294C>T, p.Gln2432Ter (NM_201380.4); c.6787C>T, p.Gln2263Ter (NM_201381.3); c.6883C>T, p.Gln2295Ter (NM_201382.4); c.6895C>T, p.Gln2299Ter (NM_201383.3); and 2 more; short protein forms Q2263*, Q2322*, Q2295*, Q2299*, Q2432*, Q2281*, Q2273*.
Identifiers: ClinVar variation 4344518 (VCV004344518.2).
Genomic context (GRCh38, chr8:143,923,046, plus strand): 5'-TCTCCTTGAGCATCTTCTCTGCCAAGGCCCGCTGCTGTGCCAGGTCCTCCTCTGCCAGCT[G>A]CCGCAGTCGCGCAGCCTCTTGGGCCGCCACACTCAGCCGCGCGGCCTCCTCCGCCACCTG-3'